The following is an entry in ClinVar:

NM_017433.5(MYO3A):c.4527A>G (p.Thr1509=)

Gene: MYO3A (myosin IIIA; plus strand). Cytogenetic location: 10p12.1.
Variant type: single nucleotide variant.
Coding change: c.4527A>G on transcript NM_017433.5 (MANE Select); coding-DNA position 4527, A replaced by G.
Protein change: p.Thr1509=; no amino-acid change (threonine 1509 retained).
Molecular consequence: synonymous variant.
Genome position (GRCh38, 1-based): chr10:26,193,293, A>G. VCF-style: chr10-26193293-A-G. GRCh37 (hg19) VCF-style: chr10-26482222-A-G.
Identifiers: ClinVar variation 4980480 (VCV004980480.1).

ClinVar aggregate classification (germline): Likely benign (1 of 4 stars; one submission).

Conditions:
MYO3A-related disorder. Also called: MYO3A-related condition.

gnomAD v4.1: 47 of 1,612,806 alleles (0.0029%); highest among the groups gnomAD compares: Non-Finnish European, 0.0034%; no homozygotes.

Submission:

PreventionGenetics, part of Exact Sciences
Classification: Likely benign for MYO3A-related condition. Last evaluated: 2024-11-10. Review status: criteria provided, single submitter. Criteria: ACMG Guidelines, 2015. Collection method: clinical testing. Allele origin: germline.
Comment: This variant is classified as likely benign based on ACMG/AMP sequence variant interpretation guidelines (Richards et al. 2015 PMID: 25741868, with internal and published modifications).